The following is an entry in ClinVar:

NM_001270508.2(TNFAIP3):c.599del (p.Cys200fs)

Genes: TNFAIP3 (TNF alpha induced protein 3; plus strand), LOC126859807 (MED14-independent group 3 enhancer GRCh37_chr6:138196296-138197495; plus strand). Cytogenetic location: 6q23.3.
Variant type: Deletion.
Coding change: c.599del on transcript NM_001270508.2 (MANE Select); coding-DNA position 599, one base deleted (G; older notation c.599delG).
Protein change: p.Cys200fs; shifts the reading frame from cysteine 200.
Molecular consequence: frameshift variant.
Genome position (GRCh38, 1-based): chr6:137,875,800, G deleted. VCF-style (leftmost placement, unchanged base first): chr6-137875799-TG-T. GRCh37 (hg19) VCF-style: chr6-138196936-TG-T.
Other names: c.599del, p.Cys200fs (NM_001270507.2, NM_006290.4); short protein forms C200fs.
Identifiers: ClinVar variation 2032945 (VCV002032945.4), dbSNP rs2482733805, ClinGen allele CA2580075108.

ClinVar aggregate classification (germline): Pathogenic (1 of 4 stars; one submission).

Submission:

Labcorp Genetics (formerly Invitae), Labcorp
Classification: Pathogenic. Last evaluated: 2022-09-27. Review status: criteria provided, single submitter. Criteria: Invitae Variant Classification Sherloc (09022015). Collection method: clinical testing. Allele origin: germline.
Comment: This sequence change creates a premature translational stop signal (p.Cys200Serfs*16) in the TNFAIP3 gene. It is expected to result in an absent or disrupted protein product. Loss-of-function variants in TNFAIP3 are known to be pathogenic (PMID: 26642243). For these reasons, this variant has been classified as Pathogenic. This variant has not been reported in the literature in individuals affected with TNFAIP3-related conditions. This variant is not present in population databases (gnomAD no frequency).

Literature cited by the submitters: PubMed 26642243.